The following is an entry in ClinVar:

NM_000465.4(BARD1):c.2215dup (p.Tyr739fs)

Gene: BARD1 (BRCA1 associated RING domain 1; minus strand). Cytogenetic location: 2q35.
Variant type: Duplication.
Coding change: c.2215dup on transcript NM_000465.4 (MANE Select); coding-DNA position 2215, one base duplicated (T; older notation c.2215dupT).
Protein change: p.Tyr739fs; shifts the reading frame from tyrosine 739.
Molecular consequence: frameshift variant. On other transcripts: non-coding transcript variant (3).
Genome position (GRCh38, 1-based): chr2:214,728,795, A duplicated on the plus strand (T on the coding strand, the reverse complement: BARD1 is on the minus strand). VCF-style (leftmost placement, unchanged base first): chr2-214728794-T-TA. GRCh37 (hg19) VCF-style: chr2-215593518-T-TA.
Other names: c.2158dup, p.Tyr720fs (NM_001282543.2); c.862dup, p.Tyr288fs (NM_001282545.2); c.805dup, p.Tyr269fs (NM_001282548.2); c.676dup, p.Tyr226fs (NM_001282549.2); short protein forms Y226fs, Y739fs, Y269fs, Y288fs, Y720fs.
Identifiers: ClinVar variation 1787827 (VCV001787827.10), dbSNP rs2469268815, ClinGen allele CA2580065622.

ClinVar aggregate classification (germline): Pathogenic/Likely pathogenic. Review status: criteria provided, multiple submitters, no conflicts (2 of 4 stars). 4 submissions from 4 submitters: Pathogenic (1); Likely pathogenic (3). Last evaluated 2024-11-04.

Conditions:
Familial cancer of breast. Also called: BREAST CANCER, FAMILIAL; Hereditary breast cancer; hereditary breast carcinoma. Identifiers: Orphanet 227535, MedGen C0346153, MONDO:0016419, OMIM 114480. Disease mechanism: loss of function.
Hereditary cancer-predisposing syndrome. Also called: Neoplastic Syndromes, Hereditary; Tumor predisposition; Hereditary Cancer Syndrome; Hereditary neoplastic syndrome. Identifiers: Orphanet 140162, MedGen C0027672, MeSH D009386, MONDO:0015356.

Submissions (4):

Department of Pathology and Laboratory Medicine, Sinai Health System
Classification: Likely pathogenic for Familial cancer of breast. Last evaluated: 2024-11-04. Review status: criteria provided, single submitter. Criteria: ACMG Guidelines, 2015. Collection method: clinical testing. Allele origin: germline.

Ambry Genetics
Classification: Likely pathogenic for Hereditary cancer-predisposing syndrome. Last evaluated: 2024-08-05. Review status: criteria provided, single submitter. Criteria: Ambry Variant Classification Scheme 2023. Collection method: clinical testing. Allele origin: germline.
Comment: The c.2215dupT variant, located in coding exon 11 of the BARD1 gene, results from a duplication of T at nucleotide position 2215, causing a translational frameshift with a predicted alternate stop codon (p.Y739Lfs*2). This alteration occurs at the 3' terminus of theBARD1 gene, is not expected to trigger nonsense-mediated mRNA decay, and only impacts the last 39 amino acids of the protein. However, premature stop codons are typically deleterious in nature and the impacted region is critical for protein function (Ambry internal data). In one study, this alteration was detected in at least one individual in a cohort of 42 breast cancer patients at risk for hereditary breast cancer that tested negative for pathogenic variants in four major breast cancer genes (Torrezan GT et al. Front Genet, 2018 May;9:161). This variant is considered to be rare based on population cohorts in the Genome Aggregation Database (gnomAD). Based on the majority of available evidence to date, this variant is likely to be pathogenic.

Labcorp Genetics (formerly Invitae), Labcorp
Classification: Likely pathogenic for Familial cancer of breast. Last evaluated: 2023-08-14. Review status: criteria provided, single submitter. Criteria: Invitae Variant Classification Sherloc (09022015). Collection method: clinical testing. Allele origin: germline.
Comment: In summary, the currently available evidence indicates that the variant is pathogenic, but additional data are needed to prove that conclusively. Therefore, this variant has been classified as Likely Pathogenic. This variant disrupts the C-terminal BRCT domain of BARD1 protein, which is required for chromosome stability and homology-directed repair (PMID: 17848578). A different variant (p.Val767fs) that lies downstream of this variant has been reported to affect BARD1 protein function (PMID: 30925164), this suggests that disruption of this region of the protein is causative of disease. ClinVar contains an entry for this variant (Variation ID: 1787827). This premature translational stop signal has been observed in individual(s) with BARD1-related conditions (PMID: 29868112). This variant is not present in population databases (gnomAD no frequency). This sequence change creates a premature translational stop signal (p.Tyr739Leufs*2) in the BARD1 gene. While this is not anticipated to result in nonsense mediated decay, it is expected to disrupt the last 39 amino acid(s) of the BARD1 protein.

Myriad Genetics, Inc.
Classification: Pathogenic for Familial cancer of breast. Last evaluated: 2023-05-25. Review status: criteria provided, single submitter. Criteria: Myriad Autosomal Dominant, Autosomal Recessive and X-Linked Classification Criteria (2023). Collection method: clinical testing. Allele origin: unknown.
Comment: This variant is considered pathogenic. This variant creates a frameshift predicted to result in premature protein truncation.

Literature cited by the submitters: PubMed 29868112 (cited by 3 submitters); PubMed 30925164 (cited by Department of Pathology and Laboratory Medicine, Sinai Health System and Labcorp Genetics (formerly Invitae), Labcorp); PubMed 17848578 (cited by Department of Pathology and Laboratory Medicine, Sinai Health System and Labcorp Genetics (formerly Invitae), Labcorp).